The following is an entry in ClinVar:

ClinVar aggregate classification (germline): Uncertain significance (1 of 4 stars; one submission).

Conditions:
Bardet-Biedl syndrome (BBS). Identifiers: Orphanet 110, MedGen C0752166, MONDO:0015229.

Allele frequency attached by ClinVar (database versions not stated): gnomAD exomes below 0.00001; ExAC 0.00001; gnomAD 0.00001; 1000 Genomes Project 30x 0.00016; 1000 Genomes Project 0.00020.
gnomAD v4.1: 2 of 1,614,222 alleles (0.00012%); highest among the groups gnomAD compares: Admixed American, 0.0033%; no homozygotes.

Submission:

Labcorp Genetics (formerly Invitae), Labcorp
Classification: Uncertain significance for Bardet-Biedl syndrome. Last evaluated: 2024-02-24. Review status: criteria provided, single submitter. Criteria: Invitae Variant Classification Sherloc (09022015). Collection method: clinical testing. Allele origin: germline.
Comment: This sequence change replaces glycine, which is neutral and non-polar, with serine, which is neutral and polar, at codon 402 of the TRIM32 protein (p.Gly402Ser). This variant is present in population databases (rs555106908, gnomAD 0.003%). This variant has not been reported in the literature in individuals affected with TRIM32-related conditions. ClinVar contains an entry for this variant (Variation ID: 1358459). An algorithm developed to predict the effect of missense changes on protein structure and function (PolyPhen-2) suggests that this variant is likely to be disruptive. In summary, the available evidence is currently insufficient to determine the role of this variant in disease. Therefore, it has been classified as a Variant of Uncertain Significance.

NM_012210.4(TRIM32):c.1204G>A (p.Gly402Ser)

Genes: ASTN2 (astrotactin 2; minus strand), TRIM32 (tripartite motif containing 32; plus strand). Cytogenetic location: 9q33.1.
Variant type: single nucleotide variant.
Coding change: c.1204G>A on transcript NM_012210.4 (MANE Select); coding-DNA position 1204, G replaced by A.
Protein change: p.Gly402Ser; replaces glycine 402 with serine.
Molecular consequence: missense variant. On other transcripts: intron variant (3).
Genome position (GRCh38, 1-based): chr9:116,698,946, G>A. VCF-style: chr9-116698946-G-A. GRCh37 (hg19) VCF-style: chr9-119461225-G-A.
Other names: c.1204G>A, p.Gly402Ser (NM_001099679.2, NM_001379048.1, NM_001379049.1 and 1 more transcripts); c.2653+26825C>T (NM_014010.5); c.2794+26825C>T (NM_001365069.1); c.2806+26825C>T (NM_001365068.1); short protein forms G402S.
Identifiers: ClinVar variation 1358459 (VCV001358459.8), dbSNP rs555106908, ClinGen allele CA5211120.